The following is an entry in ClinVar:

ClinVar aggregate classification (germline): Uncertain significance. Review status: criteria provided, multiple submitters, no conflicts (2 of 4 stars). 2 submissions from 2 submitters: Uncertain significance (2). Last evaluated 2025-06-12.

Conditions:
ASXL1-related disorder. Also called: ASXL1-related condition; ASXL1-related disorders.
Inborn genetic diseases. Identifiers: MedGen C0950123, MeSH D030342.

Submissions (2):

Ambry Genetics
Classification: Uncertain significance for Inborn genetic diseases. Last evaluated: 2025-06-12. Review status: criteria provided, single submitter. Criteria: Ambry Variant Classification Scheme 2023. Collection method: clinical testing. Allele origin: germline.
Comment: The p.I337L variant (also known as c.1009A>T), located in coding exon 11 of the ASXL1 gene, results from an A to T substitution at nucleotide position 1009. The isoleucine at codon 337 is replaced by leucine, an amino acid with highly similar properties. This amino acid position is conserved. In addition, this alteration is predicted to be tolerated by in silico analysis. Based on the available evidence, the clinical significance of this variant remains unclear.

PreventionGenetics, part of Exact Sciences
Classification: Uncertain significance for ASXL1-related condition. Last evaluated: 2023-03-03. Review status: criteria provided, single submitter. Criteria: ACMG Guidelines, 2015. Collection method: clinical testing. Allele origin: germline.
Comment: The ASXL1 c.1009A>T variant is predicted to result in the amino acid substitution p.Ile337Leu. To our knowledge, this variant has not been reported in the literature or in a large population database, indicating this variant is rare. At this time, the clinical significance of this variant is uncertain due to the absence of conclusive functional and genetic evidence.

NM_015338.6(ASXL1):c.1009A>T (p.Ile337Leu)

Gene: ASXL1 (ASXL transcriptional regulator 1; plus strand). Cytogenetic location: 20q11.21.
Variant type: single nucleotide variant.
Coding change: c.1009A>T on transcript NM_015338.6 (MANE Select); coding-DNA position 1009, A replaced by T.
Protein change: p.Ile337Leu; replaces isoleucine 337 with leucine.
Molecular consequence: missense variant.
Genome position (GRCh38, 1-based): chr20:32,432,909, A>T. VCF-style: chr20-32432909-A-T. GRCh37 (hg19) VCF-style: chr20-31020712-A-T.
Other names: c.826A>T, p.Ile276Leu (NM_001363734.1); short protein forms I276L, I337L.
Identifiers: ClinVar variation 2636118 (VCV002636118.2), dbSNP rs2515526278, ClinGen allele CA408555140.